The following is an entry in ClinVar:

ClinVar aggregate classification (germline): Uncertain significance (1 of 4 stars; one submission).

Conditions:
Hypertrophic cardiomyopathy. Also called: HYPERTROPHIC MYOCARDIOPATHY. Identifiers: Orphanet 217569, MedGen C0007194, MeSH D002312, MONDO:0005045, HP:0001639.

Submission:

Labcorp Genetics (formerly Invitae), Labcorp
Classification: Uncertain significance for Hypertrophic cardiomyopathy. Last evaluated: 2018-03-20. Review status: criteria provided, single submitter. Criteria: Invitae Variant Classification Sherloc (09022015). Collection method: clinical testing. Allele origin: germline.
Comment: Algorithms developed to predict the effect of missense changes on protein structure and function (SIFT, PolyPhen-2, Align-GVGD) all suggest that this variant is likely to be disruptive, but these predictions have not been confirmed by published functional studies and their clinical significance is uncertain. In summary, the available evidence is currently insufficient to determine the role of this variant in disease. Therefore, it has been classified as a Variant of Uncertain Significance. Algorithms developed to predict the effect of sequence changes on RNA splicing suggest that this variant may create or strengthen a splice site, but this prediction has not been confirmed by published transcriptional studies. This variant has not been reported in the literature in individuals with MYBPC3-related disease. This variant is not present in population databases (ExAC no frequency). This sequence change replaces valine with glycine at codon 849 of the MYBPC3 protein (p.Val849Gly). The valine residue is highly conserved and there is a moderate physicochemical difference between valine and glycine.

NM_000256.3(MYBPC3):c.2546_2547delinsGT (p.Val849Gly)

Gene: MYBPC3 (myosin binding protein C3; minus strand). Cytogenetic location: 11p11.2.
Variant type: Indel.
Coding change: c.2546_2547delinsGT on transcript NM_000256.3 (MANE Select); coding-DNA positions 2546 to 2547, TC replaced by GT.
Protein change: p.Val849Gly; replaces valine 849 with glycine.
Molecular consequence: missense variant.
Genome position (GRCh38, 1-based): chr11:47,337,446-47,337,447, GA replaced by AC on the plus strand (TC replaced by GT on the coding strand, the reverse complement: MYBPC3 is on the minus strand). VCF-style: chr11-47337446-GA-AC. GRCh37 (hg19) VCF-style: chr11-47358997-GA-AC.
Other names: c.2546_2547delTCinsGT (NM_000256.3); short protein forms V849G.
Identifiers: ClinVar variation 582753 (VCV000582753.7), dbSNP rs1565625181, ClinGen allele CA891842472.